The following is an entry in ClinVar:

ClinVar aggregate classification (germline): Benign. Review status: criteria provided, multiple submitters, no conflicts (2 of 4 stars). 4 submissions from 4 submitters: Benign (3). 1 of the submissions does not count toward it. Last evaluated 2026-01-25.

Conditions:
NUP160-related disorder. Also called: NUP160-related condition.

Allele frequency attached by ClinVar (database versions not stated): gnomAD exomes 0.00425 and 0.00770; ExAC 0.00899; 1000 Genomes Project 30x 0.01593; 1000 Genomes Project 0.01597; TOPMed 0.01665; gnomAD 0.01700 and 0.01826; ESP Exome Variant Server 0.01939.
gnomAD v4.1: 8,874 of 1,612,166 alleles (0.55%); highest among the groups gnomAD compares: African/African-American, 4.6%; 113 homozygotes.

Submissions (4):

Labcorp Genetics (formerly Invitae), Labcorp
Classification: Benign. Last evaluated: 2026-01-25. Review status: criteria provided, single submitter. Criteria: Invitae Variant Classification Sherloc (09022015). Collection method: clinical testing. Allele origin: germline.

Mayo Clinic Laboratories, Mayo Clinic
Classification: Benign. Last evaluated: 2023-10-04. Review status: criteria provided, single submitter. Criteria: ACMG Guidelines, 2015. Collection method: clinical testing. Allele origin: germline. Observed: 4 variant alleles.
Comment: BS1, BS2, BP4, BP7

Breakthrough Genomics
Classification: Benign. Review status: criteria provided, single submitter. Criteria: ACMG Guidelines, 2015. Collection method: not provided. Allele origin: germline. Inheritance: Autosomal recessive inheritance. Affected: yes.

PreventionGenetics, part of Exact Sciences
Classification: Benign for NUP160-related condition. Last evaluated: 2019-05-28. Review status: no assertion criteria provided. Collection method: clinical testing. Allele origin: germline. Not counted in ClinVar's aggregate classification.
Comment: This variant is classified as benign based on ACMG/AMP sequence variant interpretation guidelines (Richards et al. 2015 PMID: 25741868, with internal and published modifications).

NM_015231.3(NUP160):c.4143A>G (p.Lys1381=)

Gene: NUP160 (nucleoporin 160; minus strand). Cytogenetic location: 11p11.2.
Variant type: single nucleotide variant.
Coding change: c.4143A>G on transcript NM_015231.3 (MANE Select); coding-DNA position 4143, A replaced by G.
Protein change: p.Lys1381=; no amino-acid change (lysine 1381 retained).
Molecular consequence: synonymous variant. On other transcripts: non-coding transcript variant (1).
Genome position (GRCh38, 1-based): chr11:47,779,171, T>C on the plus strand (A>G on the coding strand, the complement: NUP160 is on the minus strand). VCF-style: chr11-47779171-T-C. GRCh37 (hg19) VCF-style: chr11-47800723-T-C.
Other names: p.Lys1415=.
Identifiers: ClinVar variation 790091 (VCV000790091.14), dbSNP rs56962998, ClinGen allele CA5980399.